The following is an entry in ClinVar:

NM_033026.6(PCLO):c.10159C>T (p.Pro3387Ser)

Gene: PCLO (piccolo presynaptic cytomatrix protein; minus strand). Cytogenetic location: 7q21.11.
Variant type: single nucleotide variant.
Coding change: c.10159C>T on transcript NM_033026.6 (MANE Select); coding-DNA position 10159, C replaced by T.
Protein change: p.Pro3387Ser; replaces proline 3387 with serine.
Molecular consequence: missense variant.
Genome position (GRCh38, 1-based): chr7:82,950,429, G>A on the plus strand (C>T on the coding strand, the complement: PCLO is on the minus strand). VCF-style: chr7-82950429-G-A. GRCh37 (hg19) VCF-style: chr7-82579745-G-A.
Other names: c.10159C>T, p.Pro3387Ser (NM_014510.3); short protein forms P3387S.
Identifiers: ClinVar variation 1447660 (VCV001447660.5), dbSNP rs764822832, ClinGen allele CA4319783.
Genomic context (GRCh38, chr7:82,950,429, plus strand): 5'-CCTCTTTCACAACAACATCTGTTAGAGGTATTTCTGAAACAGTGCTCAGGATACCAGGTG[G>A]GGCAATGTACTGAGTAACACCATCAGACTGAACGGTGTACCATCCTTGGCTTTGTGGTAT-3'
Protein context (NP_149015.2, residues 3377-3397): QSDGVTQYIA[Pro3387Ser]PGILSTVSEI

ClinVar aggregate classification (germline): Uncertain significance (1 of 4 stars; one submission).

Allele frequency attached by ClinVar (database versions not stated): ExAC 0.00001; gnomAD 0.00001; gnomAD exomes 0.00001; TOPMed 0.00001.

Submission:

Labcorp Genetics (formerly Invitae), Labcorp
Classification: Uncertain significance. Last evaluated: 2022-03-27. Review status: criteria provided, single submitter. Criteria: Invitae Variant Classification Sherloc (09022015). Collection method: clinical testing. Allele origin: germline.
Comment: This sequence change replaces proline, which is neutral and non-polar, with serine, which is neutral and polar, at codon 3387 of the PCLO protein (p.Pro3387Ser). This variant is present in population databases (rs764822832, gnomAD 0.003%). This variant has not been reported in the literature in individuals affected with PCLO-related conditions. Algorithms developed to predict the effect of missense changes on protein structure and function are either unavailable or do not agree on the potential impact of this missense change (SIFT: "Tolerated"; PolyPhen-2: "Not Available"; Align-GVGD: "Class C0"). In summary, the available evidence is currently insufficient to determine the role of this variant in disease. Therefore, it has been classified as a Variant of Uncertain Significance.